The following is an entry in ClinVar:

ClinVar aggregate classification (germline): Conflicting classifications of pathogenicity. Review status: criteria provided, conflicting classifications (1 of 4 stars). 6 submissions from 6 submitters: Uncertain significance (2); Benign (1); Likely benign (3). Last evaluated 2026-01-24.

Conditions:
BAP1-related tumor predisposition syndrome (TPDS1). Also called: Tumor susceptibility linked to germline BAP1 mutations; BAP1 tumor predisposition syndrome; TUMOR PREDISPOSITION SYNDROME 1; COMMON Syndrome. Identifiers: Orphanet 289539, MedGen C3280492, MONDO:0013692, OMIM 614327.
Hereditary cancer-predisposing syndrome. Also called: Neoplastic Syndromes, Hereditary; Tumor predisposition; Hereditary neoplastic syndrome; Hereditary Cancer Syndrome. Identifiers: Orphanet 140162, MedGen C0027672, MeSH D009386, MONDO:0015356.

Allele frequency attached by ClinVar (database versions not stated): TOPMed below 0.00001.
gnomAD v4.1: 4 of 1,613,274 alleles (0.00025%); highest among the groups gnomAD compares: Non-Finnish European, 0.00034%; no homozygotes.

Submissions (6):

Labcorp Genetics (formerly Invitae), Labcorp
Classification: Likely benign for BAP1-related tumor predisposition syndrome. Last evaluated: 2026-01-24. Review status: criteria provided, single submitter. Criteria: Invitae Variant Classification Sherloc (09022015). Collection method: clinical testing. Allele origin: germline.

Myriad Genetics, Inc.
Classification: Benign for BAP1-related tumor predisposition syndrome. Last evaluated: 2024-07-17. Review status: criteria provided, single submitter. Criteria: Myriad Autosomal Dominant, Autosomal Recessive and X-Linked Classification Criteria (2023). Collection method: clinical testing. Allele origin: unknown.
Comment: This variant is considered benign. This variant is a silent/synonymous amino acid change and it is not expected to impact splicing.

GeneDx
Classification: Uncertain significance. Last evaluated: 2023-10-26. Review status: criteria provided, single submitter. Criteria: GeneDx Variant Classification Process June 2021. Collection method: clinical testing. Allele origin: germline. Affected: yes.
Comment: Not observed at significant frequency in large population cohorts (gnomAD); In silico analysis supports that this variant does not alter splicing; Has not been previously published as pathogenic or benign to our knowledge

Sema4
Classification: Uncertain significance for Hereditary cancer-predisposing syndrome. Last evaluated: 2022-02-10. Review status: criteria provided, single submitter. Criteria: Sema4 Curation Guidelines. Collection method: curation. Allele origin: germline.
Comment: The BAP1 c.1887C>T (p.P629=) variant has not been reported in the literature to our knowledge. It was not reported in the large and broad populations of Genome Aggregation Database (PMID: 32461654). This variant has been reported in ClinVar (Variation ID: 628161). The nucleotide is weakly conserved and in silico tools suggest that this variant may not impact splicing, though these predictions have not been confirmed by functional studies. The evidence is insufficient to meet ACMG/AMP criteria for classifying the variant as benign or pathogenic. Thus, the clinical significance of this variant is currently uncertain.

Ambry Genetics
Classification: Likely benign for Hereditary cancer-predisposing syndrome. Last evaluated: 2018-08-27. Review status: criteria provided, single submitter. Criteria: Ambry Variant Classification Scheme 2023. Collection method: clinical testing. Allele origin: germline.

Color Diagnostics, LLC DBA Color Health
Classification: Likely benign for Hereditary cancer-predisposing syndrome. Last evaluated: 2018-04-10. Review status: criteria provided, single submitter. Criteria: ACMG Guidelines, 2015. Collection method: clinical testing. Allele origin: germline.

NM_004656.4(BAP1):c.1887C>T (p.Pro629=)

Gene: BAP1 (BRCA1 associated deubiquitinase 1; minus strand). Cytogenetic location: 3p21.1.
Variant type: single nucleotide variant.
Coding change: c.1887C>T on transcript NM_004656.4 (MANE Select); coding-DNA position 1887, C replaced by T.
Protein change: p.Pro629=; no amino-acid change (proline 629 retained).
Molecular consequence: synonymous variant.
Genome position (GRCh38, 1-based): chr3:52,403,141, G>A on the plus strand (C>T on the coding strand, the complement: BAP1 is on the minus strand). VCF-style: chr3-52403141-G-A. GRCh37 (hg19) VCF-style: chr3-52437157-G-A.
Identifiers: ClinVar variation 628161 (VCV000628161.16), dbSNP rs1253470807, ClinGen allele CA433885764.